The following is an entry in ClinVar:

ClinVar aggregate classification (germline): Uncertain significance. Review status: criteria provided, multiple submitters, no conflicts (2 of 4 stars). 2 submissions from 2 submitters: Uncertain significance (2). Last evaluated 2018-03-05.

Conditions:
Chudley-McCullough syndrome (CMCS). Also called: Deafness, autosomal recessive 82; DEAFNESS, SENSORINEURAL, WITH PARTIAL AGENESIS OF THE CORPUS CALLOSUM AND ARACHNOID CYSTS. Identifiers: Orphanet 314597, MedGen C1858695, MONDO:0011411, OMIM 604213.

Allele frequency attached by ClinVar (database versions not stated): TOPMed 0.00007; ExAC 0.00011; ESP Exome Variant Server 0.00015; gnomAD exomes 0.00008; gnomAD 0.00013 and 0.00014.
gnomAD v4.1: 128 of 1,613,432 alleles (0.0079%); highest among the groups gnomAD compares: Non-Finnish European, 0.01%; no homozygotes.

Submissions (2):

Laboratory for Molecular Medicine, Mass General Brigham Personalized Medicine
Classification: Uncertain significance. Last evaluated: 2018-03-05. Review status: criteria provided, single submitter. Criteria: LMM Criteria. Collection method: clinical testing. Allele origin: germline. Observed: 1 variant allele.
Comment: proposed classification - variant undergoing re-assessment, contact laboratory

Illumina Laboratory Services, Illumina
Classification: Uncertain significance for Chudley-McCullough syndrome. Last evaluated: 2018-01-13. Review status: criteria provided, single submitter. Criteria: ICSL Variant Classification Criteria 13 December 2019. Collection method: clinical testing. Allele origin: germline.

NM_013296.5(GPSM2):c.1358A>G (p.Lys453Arg)

Gene: GPSM2 (G protein signaling modulator 2; plus strand). Cytogenetic location: 1p13.3.
Variant type: single nucleotide variant.
Coding change: c.1358A>G on transcript NM_013296.5 (MANE Select); coding-DNA position 1358, A replaced by G.
Protein change: p.Lys453Arg; replaces lysine 453 with arginine.
Molecular consequence: missense variant.
Genome position (GRCh38, 1-based): chr1:108,918,707, A>G. VCF-style: chr1-108918707-A-G. GRCh37 (hg19) VCF-style: chr1-109461329-A-G.
Other names: c.1358A>G, p.Lys453Arg (NM_001321038.2, NM_001321039.3); short protein forms K453R.
Identifiers: ClinVar variation 291706 (VCV000291706.8), dbSNP rs200378397, ClinGen allele CA983041.